The following is an entry in ClinVar:

NM_000660.7(TGFB1):c.187C>T (p.Pro63Ser)

Genes: TGFB1 (transforming growth factor beta 1; minus strand), LOC130064510 (ATAC-STARR-seq lymphoblastoid silent region 10661; plus strand). Cytogenetic location: 19q13.2.
Variant type: single nucleotide variant.
Coding change: c.187C>T on transcript NM_000660.7 (MANE Select); coding-DNA position 187, C replaced by T.
Protein change: p.Pro63Ser; replaces proline 63 with serine.
Molecular consequence: missense variant.
Genome position (GRCh38, 1-based): chr19:41,352,858, G>A on the plus strand (C>T on the coding strand, the complement: TGFB1 is on the minus strand). VCF-style: chr19-41352858-G-A. GRCh37 (hg19) VCF-style: chr19-41858763-G-A.
Other names: short protein forms P63S.
Identifiers: ClinVar variation 3600605 (VCV003600605.1).
Genomic context (GRCh38, chr19:41,352,858, plus strand): 5'-TGTTGTACAGGGCGAGCACGGCCTCGGGCAGCGGGCCGGGCGGCACCTCCCCCTGGCTCG[G>A]GGGGCTGGCGAGCCGCAGCTTGGACAGGATCTGGCCGCGGATGGCCTCGATGCGCTTCCG-3'
Protein context (NP_000651.3, residues 53-73): ILSKLRLASP[Pro63Ser]SQGEVPPGPL

ClinVar aggregate classification (germline): Uncertain significance (1 of 4 stars; one submission).

Submission:

GeneDx
Classification: Uncertain significance. Last evaluated: 2024-07-27. Review status: criteria provided, single submitter. Criteria: GeneDx Variant Classification Process June 2021. Collection method: clinical testing. Allele origin: germline. Affected: yes.
Comment: Not observed at significant frequency in large population cohorts (gnomAD); In silico analysis supports that this missense variant has a deleterious effect on protein structure/function; Has not been previously published as pathogenic or benign to our knowledge